The following is an entry in ClinVar:

ClinVar aggregate classification (germline): Uncertain significance (1 of 4 stars; one submission).

Conditions:
Susceptibility to respiratory infections associated with CD8alpha chain mutation (IMD116). Also called: Cd8 deficiency, familial; IMMUNODEFICIENCY 116. Identifiers: Orphanet 169085, MedGen C1837065, MONDO:0012161, OMIM 608957.

Submission:

Labcorp Genetics (formerly Invitae), Labcorp
Classification: Uncertain significance for Susceptibility to respiratory infections associated with CD8alpha chain mutation. Last evaluated: 2022-08-21. Review status: criteria provided, single submitter. Criteria: Invitae Variant Classification Sherloc (09022015). Collection method: clinical testing. Allele origin: germline.
Comment: This sequence change falls in intron 2 of the CD8A gene. It does not directly change the encoded amino acid sequence of the CD8A protein. It affects a nucleotide within the consensus splice site. Information on the frequency of this variant in the gnomAD database is not available, as this variant may be reported differently in the database. This variant has not been reported in the literature in individuals affected with CD8A-related conditions. Variants that disrupt the consensus splice site are a relatively common cause of aberrant splicing (PMID: 17576681, 9536098). Experimental studies and prediction algorithms are not available or were not evaluated, and the effect of this variant on mRNA splicing is currently unknown. In summary, the available evidence is currently insufficient to determine the role of this variant in disease. Therefore, it has been classified as a Variant of Uncertain Significance.

Literature cited by the submitters: PubMed 17576681; PubMed 9536098.

NM_001768.7(CD8A):c.403+5_403+6delinsTT

Gene: CD8A (CD8 subunit alpha; minus strand). Cytogenetic location: 2p11.2.
Variant type: Indel.
Coding change: c.403+5_403+6delinsTT on transcript NM_001768.7 (MANE Select); bases 5 to 6 of the intron after coding-DNA position 403, GC replaced by TT.
Molecular consequence: intron variant.
Genome position (GRCh38, 1-based): chr2:86,790,322-86,790,323, GC replaced by AA on the plus strand (GC replaced by TT on the coding strand, the reverse complement: CD8A is on the minus strand). VCF-style: chr2-86790322-GC-AA. GRCh37 (hg19) VCF-style: chr2-87017445-GC-AA.
Other names: c.403+5_403+6delinsTT (NM_001145873.1, NM_001382698.1, NM_171827.4).
Identifiers: ClinVar variation 1994411 (VCV001994411.4), dbSNP rs2466502690, ClinGen allele CA2580068288.